The following is an entry in ClinVar:

NM_006739.4(MCM5):c.1713C>T (p.Gly571=)

Gene: MCM5 (minichromosome maintenance complex component 5; plus strand). Cytogenetic location: 22q12.3.
Variant type: single nucleotide variant.
Coding change: c.1713C>T on transcript NM_006739.4 (MANE Select); coding-DNA position 1713, C replaced by T.
Protein change: p.Gly571=; no amino-acid change (glycine 571 retained).
Molecular consequence: synonymous variant.
Genome position (GRCh38, 1-based): chr22:35,419,893, C>T. VCF-style: chr22-35419893-C-T. GRCh37 (hg19) VCF-style: chr22-35815886-C-T.
Identifiers: ClinVar variation 3898680 (VCV003898680.7).
Genomic context (GRCh38, chr22:35,419,893, plus strand): 5'-CCCTAAGAGTCCCTCCTGGCCTCACACCAGCCTCTCCCCACTGTCCTGCAGGAAGTGTGG[C>T]CCCCGGCTGTCAGCAGAGGCTGCAGAGAAACTGAAGAACCGCTACATCATCATGCGGAGC-3'
Protein context (NP_006730.2, residues 561-581): KFIAYCRVKC[Gly571=]PRLSAEAAEK

ClinVar aggregate classification (germline): Likely benign (1 of 4 stars; one submission).

gnomAD v4.1: 1 of 1,610,194 alleles (0.000062%); highest among the groups gnomAD compares: Non-Finnish European, 0.000085%; no homozygotes.

Submission:

CeGaT Center for Human Genetics Tuebingen
Classification: Likely benign. Last evaluated: 2025-04-01. Review status: criteria provided, single submitter. Criteria: CeGaT Center For Human Genetics Tuebingen Variant Classification Criteria Version 2. Collection method: clinical testing. Allele origin: germline. Affected: yes. Observed: 1 variant allele.
Comment: MCM5: BP4, BP7